The following is an entry in ClinVar:

ClinVar aggregate classification (germline): Conflicting classifications of pathogenicity. Review status: criteria provided, conflicting classifications (1 of 4 stars). 3 submissions from 3 submitters: Uncertain significance (2); Likely benign (1). Last evaluated 2026-06-26.

Conditions:
Inborn genetic diseases. Identifiers: MedGen C0950123, MeSH D030342.

Submissions (3):

Women's Health and Genetics/Laboratory Corporation of America, LabCorp
Classification: Uncertain significance. Last evaluated: 2026-06-26. Review status: criteria provided, single submitter. Criteria: LabCorp Variant Classification Summary - May 2015. Collection method: clinical testing. Allele origin: germline.
Comment: Variant summary: BPTF c.2480A>G (p.Lys827Arg) results in a conservative amino acid change in the encoded protein sequence. Algorithms developed to predict the effect of missense changes on protein structure and function are either unavailable or do not agree on the potential impact of this missense change. The variant allele was found at a frequency of 2.8e-05 in 251174 control chromosomes. The available data on variant occurrences in the general population are insufficient to allow any conclusion about variant significance. To our knowledge, no occurrence of c.2480A>G in individuals affected with BPTF-related conditions and no experimental evidence demonstrating its impact on protein function have been reported. ClinVar contains an entry for this variant (Variation ID: 3257173). Based on the evidence outlined above, the variant was classified as uncertain significance.

Ambry Genetics
Classification: Uncertain significance for Inborn genetic diseases. Last evaluated: 2025-07-15. Review status: criteria provided, single submitter. Criteria: Ambry Variant Classification Scheme 2023. Collection method: clinical testing. Allele origin: germline.

CeGaT Center for Human Genetics Tuebingen
Classification: Likely benign. Last evaluated: 2024-07-01. Review status: criteria provided, single submitter. Criteria: CeGaT Center For Human Genetics Tuebingen Variant Classification Criteria Version 2. Collection method: clinical testing. Allele origin: germline. Affected: yes. Observed: 1 variant allele.
Comment: BPTF: BP4

NM_182641.4(BPTF):c.2102A>G (p.Lys701Arg)

Gene: BPTF (bromodomain PHD finger transcription factor; plus strand). Cytogenetic location: 17q24.2.
Variant type: single nucleotide variant.
Coding change: c.2102A>G on transcript NM_182641.4 (MANE Select); coding-DNA position 2102, A replaced by G.
Protein change: p.Lys701Arg; replaces lysine 701 with arginine.
Molecular consequence: missense variant.
Genome position (GRCh38, 1-based): chr17:67,893,416, A>G. VCF-style: chr17-67893416-A-G. GRCh37 (hg19) VCF-style: chr17-65889532-A-G.
Other names: c.2480A>G, p.Lys827Arg (NM_004459.7); c.2102A>G (NM_182641.3); short protein forms K701R, K827R.
Identifiers: ClinVar variation 3257173 (VCV003257173.20).